The following is an entry in ClinVar:

ClinVar aggregate classification (germline): Pathogenic. Review status: criteria provided, single submitter (1 of 4 stars). 2 submissions from 2 submitters: Pathogenic (1). 1 of the submissions does not count toward it. Last evaluated 2022-09-15.

Conditions:
Developmental and epileptic encephalopathy. Identifiers: MedGen C5779964, MONDO:0100620.

Submissions (2):

Labcorp Genetics (formerly Invitae), Labcorp
Classification: Pathogenic. Last evaluated: 2022-09-15. Review status: criteria provided, single submitter. Criteria: Invitae Variant Classification Sherloc (09022015). Collection method: clinical testing. Allele origin: germline.
Comment: This variant is not present in population databases (gnomAD no frequency). This missense change has been observed in individual(s) with developmental and epileptic encephalopathy and/or developmental disorders (PMID: 28135719, 30343943, 31785789). In at least one individual the variant was observed to be de novo. ClinVar contains an entry for this variant (Variation ID: 1344627). Advanced modeling of protein sequence and biophysical properties (such as structural, functional, and spatial information, amino acid conservation, physicochemical variation, residue mobility, and thermodynamic stability) has been performed at Invitae for this missense variant, however the output from this modeling did not meet the statistical confidence thresholds required to predict the impact of this variant on CACNA1E protein function. For these reasons, this variant has been classified as Pathogenic. This sequence change replaces isoleucine, which is neutral and non-polar, with phenylalanine, which is neutral and non-polar, at codon 1422 of the CACNA1E protein (p.Ile1422Phe).

Yale Center for Mendelian Genomics, Yale University
Classification: Likely pathogenic for Developmental and epileptic encephalopathy. Last evaluated: 2018-11-01. Review status: no assertion criteria provided. Collection method: literature only. Allele origin: de novo. Affected: yes. Observed: 1 heterozygote. Study: Yale Center for Mendelian Genomics. Not counted in ClinVar's aggregate classification.

Literature cited by the submitters: PubMed 28135719 (cited by Labcorp Genetics (formerly Invitae), Labcorp); PubMed 30343943 (cited by Labcorp Genetics (formerly Invitae), Labcorp and Yale Center for Mendelian Genomics, Yale University); PubMed 31785789 (cited by Labcorp Genetics (formerly Invitae), Labcorp).

NM_001205293.3(CACNA1E):c.4264A>T (p.Ile1422Phe)

Gene: CACNA1E (calcium voltage-gated channel subunit alpha1 E; plus strand). Cytogenetic location: 1q25.3.
Variant type: single nucleotide variant.
Coding change: c.4264A>T on transcript NM_001205293.3 (MANE Select); coding-DNA position 4264, A replaced by T.
Protein change: p.Ile1422Phe; replaces isoleucine 1422 with phenylalanine.
Molecular consequence: missense variant.
Genome position (GRCh38, 1-based): chr1:181,757,061, A>T. VCF-style: chr1-181757061-A-T. GRCh37 (hg19) VCF-style: chr1-181726197-A-T.
Other names: c.4264A>T, p.Ile1422Phe (NM_000721.4); c.4207A>T, p.Ile1403Phe (NM_001205294.2); short protein forms I1403F, I1422F.
Identifiers: ClinVar variation 1344627 (VCV001344627.7), dbSNP rs2102689621, ClinGen allele CA343624453.